The following is an entry in ClinVar:

ClinVar aggregate classification (germline): Pathogenic (3 of 4 stars; one submission).

Conditions:
Breast-ovarian cancer, familial, susceptibility to, 2 (BROVCA2). Also called: BRCA2 Hereditary Breast and Ovarian Cancer. Identifiers: Orphanet 145, MedGen C2675520, MONDO:0012933, OMIM 612555. Disease mechanism: loss of function.

Allele frequency attached by ClinVar (database versions not stated): gnomAD exomes below 0.00001; ExAC 0.00001.

Submission:

Evidence-based Network for the Interpretation of Germline Mutant Alleles (ENIGMA)
Classification: Pathogenic for Breast-ovarian cancer, familial, susceptibility to, 2. Last evaluated: 2016-09-08. Review status: reviewed by expert panel. Criteria: ENIGMA BRCA1/2 Classification Criteria (2015). Collection method: curation. Allele origin: germline.
Comment: Variant allele predicted to encode a truncated non-functional protein.

NM_000059.4(BRCA2):c.2658_2659dup (p.Glu887fs)

Gene: BRCA2 (BRCA2 DNA repair associated; plus strand). Cytogenetic location: 13q13.1.
Variant type: Duplication.
Coding change: c.2658_2659dup on transcript NM_000059.4 (MANE Select); coding-DNA positions 2658 to 2659, 2 bases duplicated (TG; older notation c.2658_2659dupTG).
Protein change: p.Glu887fs; shifts the reading frame from glutamic acid 887.
Molecular consequence: frameshift variant.
Genome position (GRCh38, 1-based): chr13:32,337,013-32,337,014, TG duplicated. VCF-style (leftmost placement, unchanged base first): chr13-32337012-A-ATG. GRCh37 (hg19) VCF-style: chr13-32911149-A-ATG.
Other names: c.2658_2659dupTG (NM_000059.3); short protein forms E887fs.
Identifiers: ClinVar variation 254508 (VCV000254508.2), dbSNP rs753953146, ClinGen allele CA6940622.